The following is an entry in ClinVar:

NM_000388.4(CASR):c.1630C>T (p.Arg544Ter)

Gene: CASR (calcium sensing receptor; plus strand). Cytogenetic location: 3q21.1.
Variant type: single nucleotide variant.
Coding change: c.1630C>T on transcript NM_000388.4 (MANE Select); coding-DNA position 1630, C replaced by T.
Protein change: p.Arg544Ter; replaces arginine 544 with a stop codon.
Molecular consequence: nonsense.
Genome position (GRCh38, 1-based): chr3:122,282,134, C>T. VCF-style: chr3-122282134-C-T. GRCh37 (hg19) VCF-style: chr3-122000981-C-T.
Other names: c.1660C>T, p.Arg554Ter (NM_001178065.2); short protein forms R544*, R554*.
Identifiers: ClinVar variation 280428 (VCV000280428.20), dbSNP rs886041637, ClinGen allele CA10602891.

ClinVar aggregate classification (germline): Pathogenic. Review status: criteria provided, multiple submitters, no conflicts (2 of 4 stars). 7 submissions from 7 submitters: Pathogenic (6). 1 of the submissions does not count toward it. Last evaluated 2025-02-25.

Conditions:
CASR-related disorder. Also called: CASR-related condition.
Nephrolithiasis/nephrocalcinosis. Identifiers: MedGen CN580796.
Autosomal dominant hypocalcemia 1 (HYPOC1). Also called: HYPOCALCEMIA, FAMILIAL. Identifiers: MedGen C3715128, MONDO:0011013, OMIM 601198.
Familial hypocalciuric hypercalcemia (FHH). Also called: Familial benign hypercalcemia. Identifiers: Orphanet 405, MedGen C1809471, MONDO:0018458.
Familial hypocalciuric hypercalcemia 1. Also called: Hypercalcemia, familial benign type 1. Identifiers: Orphanet 405, Orphanet 93372, MedGen C0342637, MONDO:0007791, OMIM 145980.
Neonatal severe primary hyperparathyroidism. Identifiers: Orphanet 417, MedGen C1832615, MONDO:0009397, OMIM 239200.

Allele frequency attached by ClinVar (database versions not stated): gnomAD 0.00001.
gnomAD v4.1: 9 of 1,614,086 alleles (0.00056%); highest among the groups gnomAD compares: East Asian, 0.0045%; no homozygotes.

Submissions (7):

Women's Health and Genetics/Laboratory Corporation of America, LabCorp
Classification: Pathogenic for Neonatal severe primary hyperparathyroidism. Last evaluated: 2025-02-25. Review status: criteria provided, single submitter. Criteria: LabCorp Variant Classification Summary - May 2015. Collection method: clinical testing. Allele origin: germline.
Comment: Variant summary: CASR c.1630C>T (p.Arg544X) results in a premature termination codon, predicted to cause a truncation of the encoded protein or absence of the protein due to nonsense mediated decay, which are commonly known mechanisms for disease. The variant was absent in 251494 control chromosomes. c.1630C>T has been reported in the literature in at-least one homozygous individual affected with Neonatal Severe Hyperparathyroidism and heterozygous parents had mild hypercalcemia (example: Savas-Erdeve_2016). These data indicate that the variant may be associated with disease. The following publication has been ascertained in the context of this evaluation (PMID: 27390877). ClinVar contains an entry for this variant (Variation ID: 280428). Based on the evidence outlined above, the variant was classified as pathogenic.

Blueprint Genetics
Classification: Pathogenic for CASR-related disorders. Last evaluated: 2024-03-26. Review status: criteria provided, single submitter. Criteria: ACMG Guidelines, 2015. Collection method: clinical testing. Allele origin: germline. Affected: yes. Observed: 5 variant alleles.

Labcorp Genetics (formerly Invitae), Labcorp
Classification: Pathogenic for Familial hypocalciuric hypercalcemia; Autosomal dominant hypocalcemia 1. Last evaluated: 2023-07-19. Review status: criteria provided, single submitter. Criteria: Invitae Variant Classification Sherloc (09022015). Collection method: clinical testing. Allele origin: germline.
Comment: This sequence change creates a premature translational stop signal (p.Arg544*) in the CASR gene. It is expected to result in an absent or disrupted protein product. Loss-of-function variants in CASR are known to be pathogenic (PMID: 11807402, 14985373, 22422767). This variant is not present in population databases (gnomAD no frequency). This premature translational stop signal has been observed in individual(s) with clinical features of neonatal hyperparathyroidism and familial hypercalcemia hypocalciuria (PMID: 27390877, 31672324). ClinVar contains an entry for this variant (Variation ID: 280428). For these reasons, this variant has been classified as Pathogenic.

Ambry Genetics
Classification: Pathogenic for Nephrolithiasis/nephrocalcinosis. Last evaluated: 2022-10-18. Review status: criteria provided, single submitter. Criteria: Ambry Variant Classification Scheme 2023. Collection method: clinical testing. Allele origin: germline.
Comment: The p.R544* pathogenic mutation (also known as c.1630C>T), located in coding exon 5 of the CASR gene, results from a C to T substitution at nucleotide position 1630. This changes the amino acid from an arginine to a stop codon within coding exon 5. This alteration was identified in the homozygous state in multiple individuals diagnosed with severe neonatal hyperparathyroidism (Savas-Erdeve S et al. J Pediatr Endocrinol Metab, 2016 Sep;29:1103-10; Sorapipatcharoen K et al. J Paediatr Child Health, 2020 Jul;56:1144-1146). This variant is considered to be rare based on population cohorts in the Genome Aggregation Database (gnomAD). In addition to the clinical data presented in the literature, this alteration is expected to result in loss of function by premature protein truncation or nonsense-mediated mRNA decay. As such, this alteration is interpreted as a disease-causing mutation.

GeneDx
Classification: Pathogenic. Last evaluated: 2022-01-17. Review status: criteria provided, single submitter. Criteria: GeneDx Variant Classification Process June 2021. Collection method: clinical testing. Allele origin: germline. Affected: yes.
Comment: Nonsense variant predicted to result in protein truncation or nonsense mediated decay in a gene for which loss-of-function is a known mechanism of disease; Not observed at significant frequency in large population cohorts (gnomAD); This variant is associated with the following publications: (PMID: 27390877, 31672324, 24763815)

Genetics and Molecular Pathology, SA Pathology
Classification: Pathogenic for Autosomal dominant hypocalcemia 1. Last evaluated: 2021-07-19. Review status: criteria provided, single submitter. Criteria: ACMG Guidelines, 2015. Collection method: clinical testing. Allele origin: germline. Affected: yes.

Cardiovascular Genetics Laboratory, PathWest Laboratory Medicine WA - Fiona Stanley Hospital
Classification: Pathogenic for Familial hypocalciuric hypercalcemia 1. Last evaluated: 2022-01-05. Review status: no assertion criteria provided. Criteria: ACMG Guidelines, 2015. Collection method: clinical testing. Allele origin: germline. Not counted in ClinVar's aggregate classification.

Literature cited by the submitters: PubMed 27390877 (cited by 3 submitters); PubMed 11807402 (cited by Labcorp Genetics (formerly Invitae), Labcorp); PubMed 14985373 (cited by Labcorp Genetics (formerly Invitae), Labcorp); PubMed 22422767 (cited by Labcorp Genetics (formerly Invitae), Labcorp); PubMed 31672324 (cited by Labcorp Genetics (formerly Invitae), Labcorp); PubMed 31883284 (cited by Ambry Genetics).